The following is an entry in ClinVar:

NC_000009.11:g.(?_137534028)_(137534148_?)dup

Gene: COL5A1 (collagen type V alpha 1 chain; plus strand). Cytogenetic location: 9q34.3.
Variant type: Duplication.
Identifiers: ClinVar variation 1055975 (VCV001055975.5).

ClinVar aggregate classification (germline): Uncertain significance (1 of 4 stars; one submission).

Conditions:
Ehlers-Danlos syndrome, classic type, 1 (EDSCL1). Also called: EHLERS-DANLOS SYNDROME, GRAVIS TYPE; EHLERS-DANLOS SYNDROME, SEVERE CLASSIC TYPE; EDS I; Ehlers-Danlos Syndrome, Classic Type, COL5A1-Related; Ehlers-Danlos syndrome, type 1. Identifiers: MedGen C0268335, MONDO:0019567, OMIM 130000.

Submission:

Labcorp Genetics (formerly Invitae), Labcorp
Classification: Uncertain significance for Ehlers-Danlos syndrome, classic type, 1. Last evaluated: 2019-12-17. Review status: criteria provided, single submitter. Criteria: Invitae Variant Classification Sherloc (09022015). Collection method: clinical testing. Allele origin: germline.
Comment: This variant is a gross duplication of the genomic region encompassing exon 1 of the COL5A1 gene. The 5' end of this event is unknown as it extends beyond the assayed region for this gene and therefore may encompass additional genes. The 3' boundary is likely confined to intron 1 of the COL5A1 gene. This variant has not been reported in the literature in individuals with COL5A1-related conditions. Experimental studies and prediction algorithms are not available or were not evaluated, and the functional significance of this variant is currently unknown. In summary, the exact genomic location of this variant is unknown and the impact of this duplication on COL5A1 protein function has not been established. Therefore, it has been classified as a Variant of Unknown Significance.